The following is an entry in ClinVar:

ClinVar aggregate classification (germline): Uncertain significance. Review status: criteria provided, multiple submitters, no conflicts (2 of 4 stars). 2 submissions from 2 submitters: Uncertain significance (2). Last evaluated 2023-08-21.

Conditions:
Primary ciliary dyskinesia 27. Also called: CILIARY DYSKINESIA, PRIMARY, 27, WITHOUT SITUS INVERSUS. Identifiers: Orphanet 244, MedGen C3809701, MONDO:0014215, OMIM 615504.

Allele frequency attached by ClinVar (database versions not stated): gnomAD exomes 0.00001 and 0.00002; ExAC 0.00002; gnomAD 0.00005 and 0.00006; ESP Exome Variant Server 0.00008; TOPMed 0.00009.
gnomAD v4.1: 35 of 1,614,052 alleles (0.0022%); highest among the groups gnomAD compares: African/African-American, 0.019%; no homozygotes.

Submissions (2):

ARUP Laboratories, Molecular Genetics and Genomics, ARUP Laboratories
Classification: Uncertain significance for Primary ciliary dyskinesia 27. Last evaluated: 2023-08-21. Review status: criteria provided, single submitter. Criteria: ARUP Molecular Germline Variant Investigation Process 2024. Collection method: clinical testing. Allele origin: germline.
Comment: The CCDC65 c.1297C>T; p.Arg433Trp variant (rs138929942), to our knowledge, is not reported in the medical literature but is reported in ClinVar (Variation ID: 1063077). This variant is found in the general population with an overall allele frequency of 0.001% (3/282,862 alleles) in the Genome Aggregation Database, but is considered a low confidence variant in the database. Computational analyses are uncertain whether this variant is neutral or deleterious (REVEL: 0.205). Due to limited information, the clinical significance of this variant is uncertain at this time.

Labcorp Genetics (formerly Invitae), Labcorp
Classification: Uncertain significance for Primary ciliary dyskinesia 27. Last evaluated: 2022-05-25. Review status: criteria provided, single submitter. Criteria: Invitae Variant Classification Sherloc (09022015). Collection method: clinical testing. Allele origin: germline.
Comment: In summary, the available evidence is currently insufficient to determine the role of this variant in disease. Therefore, it has been classified as a Variant of Uncertain Significance. Algorithms developed to predict the effect of missense changes on protein structure and function are either unavailable or do not agree on the potential impact of this missense change (SIFT: "Deleterious"; PolyPhen-2: "Probably Damaging"; Align-GVGD: "Class C0"). ClinVar contains an entry for this variant (Variation ID: 1063077). This variant has not been reported in the literature in individuals affected with CCDC65-related conditions. This variant is present in population databases (rs138929942, gnomAD 0.004%). This sequence change replaces arginine, which is basic and polar, with tryptophan, which is neutral and slightly polar, at codon 433 of the CCDC65 protein (p.Arg433Trp).

NM_033124.5(DRC2):c.1297C>T (p.Arg433Trp)

Gene: DRC2 (dynein regulatory complex subunit 2; plus strand). Cytogenetic location: 12q13.12.
Variant type: single nucleotide variant.
Coding change: c.1297C>T on transcript NM_033124.5 (MANE Select); coding-DNA position 1297, C replaced by T.
Protein change: p.Arg433Trp; replaces arginine 433 with tryptophan.
Molecular consequence: missense variant.
Genome position (GRCh38, 1-based): chr12:48,921,285, C>T. VCF-style: chr12-48921285-C-T. GRCh37 (hg19) VCF-style: chr12-49315068-C-T.
Other names: c.868C>T, p.Arg290Trp (NM_001286957.2); short protein forms R290W, R433W.
Identifiers: ClinVar variation 1063077 (VCV001063077.10), dbSNP rs138929942, ClinGen allele CA6543489.
Genomic context (GRCh38, chr12:48,921,285, plus strand): 5'-CTGGAGCAACTGAGCCTCCAACATAGACGAGCCCAGCTGCTAGATATCAATGGGAAGCTG[C>T]GGGAGATGCTGAAGCAGTACTTGGATGGCATCTCAGTGAGTGACGAAGTGCTGAGCCAGC-3'
Protein context (NP_149115.2, residues 423-443): AQLLDINGKL[Arg433Trp]EMLKQYLDGI